The following is an entry in ClinVar:

NM_004333.6(BRAF):c.1140+2523G>C

Gene: BRAF (B-Raf proto-oncogene, serine/threonine kinase; minus strand). Cytogenetic location: 7q34.
Variant type: single nucleotide variant.
Coding change: c.1140+2523G>C on transcript NM_004333.6 (MANE Select); 2523 bases into the intron after coding-DNA position 1140, G replaced by C.
Molecular consequence: intron variant.
Genome position (GRCh38, 1-based): chr7:140,791,785, C>G on the plus strand (G>C on the coding strand, the complement: BRAF is on the minus strand). VCF-style: chr7-140791785-C-G. GRCh37 (hg19) VCF-style: chr7-140491585-C-G.
Other names: c.1140+2523G>C (NM_001378474.1, NM_001378471.1, NM_001378468.1 and 4 more transcripts); c.1038+2523G>C (NM_001378470.1); c.876+2523G>C (NM_001378475.1); c.1149+2523G>C (NM_001378467.1); c.984+2523G>C (NM_001378472.1, NM_001378473.1).
Identifiers: ClinVar variation 1695214 (VCV001695214.31), dbSNP rs190814468, ClinGen allele CA168098627.
Genomic context (GRCh38, chr7:140,791,785, plus strand): 5'-ACCTTGTTTTCCTTTGGTATTTAACAAACTGTGCTATTTACCAGAAACTCGGTCTATAAG[C>G]TAAGTATCTATAAGCCAGAAACCTGGCATTATCCTCTACTTCTCATATTTTTCACTCCTC-3'

ClinVar aggregate classification (germline): Likely benign (1 of 4 stars; one submission).

Allele frequency attached by ClinVar (database versions not stated): TOPMed 0.00051; 1000 Genomes Project 0.00120; 1000 Genomes Project 30x 0.00125; gnomAD 0.00266 and 0.00278.
gnomAD v4.1: 397 of 152,294 alleles (0.26%); highest among the groups gnomAD compares: Non-Finnish European, 0.15%; 4 homozygotes.

Submission:

CeGaT Center for Human Genetics Tuebingen
Classification: Likely benign. Last evaluated: 2024-06-01. Review status: criteria provided, single submitter. Criteria: CeGaT Center For Human Genetics Tuebingen Variant Classification Criteria Version 2. Collection method: clinical testing. Allele origin: germline. Affected: yes. Observed: 10 variant alleles.
Comment: BRAF: BS1